The following is an entry in ClinVar:

ClinVar aggregate classification (germline): Uncertain significance (0 of 4 stars; one submission).

Conditions:
COL12A1-related disorder. Also called: COL12A1-related condition.

Submission:

PreventionGenetics, part of Exact Sciences
Classification: Uncertain significance for COL12A1-related condition. Last evaluated: 2024-07-05. Review status: no assertion criteria provided. Collection method: clinical testing. Allele origin: germline.
Comment: The COL12A1 c.3811T>C variant is predicted to result in the amino acid substitution p.Tyr1271His. To our knowledge, this variant has not been reported in the literature or in a large population database, indicating this variant is rare. At this time, the clinical significance of this variant is uncertain due to the absence of conclusive functional and genetic evidence.

NM_004370.6(COL12A1):c.3811T>C (p.Tyr1271His)

Gene: COL12A1 (collagen type XII alpha 1 chain; minus strand). Cytogenetic location: 6q13.
Variant type: single nucleotide variant.
Coding change: c.3811T>C on transcript NM_004370.6 (MANE Select); coding-DNA position 3811, T replaced by C.
Protein change: p.Tyr1271His; replaces tyrosine 1271 with histidine.
Molecular consequence: missense variant.
Genome position (GRCh38, 1-based): chr6:75,152,155, A>G on the plus strand (T>C on the coding strand, the complement: COL12A1 is on the minus strand). VCF-style: chr6-75152155-A-G. GRCh37 (hg19) VCF-style: chr6-75861871-A-G.
Other names: c.3811T>C, p.Tyr1271His (NM_001424113.1, NM_001424114.1); c.3538T>C, p.Tyr1180His (NM_001424115.1); c.319T>C, p.Tyr107His (NM_001424116.1, NM_080645.3); short protein forms Y107H, Y1180H, Y1271H.
Identifiers: ClinVar variation 3347150 (VCV003347150.1).